The following is an entry in ClinVar:

NM_001372574.1(ATXN2):c.2448A>G (p.Pro816=)

Gene: ATXN2 (ataxin 2; minus strand). Cytogenetic location: 12q24.12.
Variant type: single nucleotide variant.
Coding change: c.2448A>G on transcript NM_001372574.1 (MANE Select); coding-DNA position 2448, A replaced by G.
Protein change: p.Pro816=; no amino-acid change (proline 816 retained).
Molecular consequence: synonymous variant. On other transcripts: non-coding transcript variant (1).
Genome position (GRCh38, 1-based): chr12:111,485,722, T>C on the plus strand (A>G on the coding strand, the complement: ATXN2 is on the minus strand). VCF-style: chr12-111485722-T-C. GRCh37 (hg19) VCF-style: chr12-111923526-T-C.
Other names: c.2133A>G, p.Pro711= (NM_001310121.1); c.2061A>G, p.Pro687= (NM_001310123.1); c.2448A>G, p.Pro816= (NM_002973.4).
Identifiers: ClinVar variation 3047600 (VCV003047600.2), dbSNP rs763319845, ClinGen allele CA6790410.

ClinVar aggregate classification (germline): Likely benign (0 of 4 stars; one submission).

Conditions:
ATXN2-related disorder. Also called: ATXN2-related condition.

Allele frequency attached by ClinVar (database versions not stated): ExAC 0.00002; gnomAD exomes 0.00002; gnomAD 0.00004; TOPMed 0.00007.
gnomAD v4.1: 45 of 1,613,884 alleles (0.0028%); highest among the groups gnomAD compares: Admixed American, 0.032%; no homozygotes.

Submission:

PreventionGenetics, part of Exact Sciences
Classification: Likely benign for ATXN2-related condition. Last evaluated: 2019-04-05. Review status: no assertion criteria provided. Collection method: clinical testing. Allele origin: germline.
Comment: This variant is classified as likely benign based on ACMG/AMP sequence variant interpretation guidelines (Richards et al. 2015 PMID: 25741868, with internal and published modifications).